The following is an entry in ClinVar:

ClinVar aggregate classification (germline): Uncertain significance. Review status: criteria provided, single submitter (1 of 4 stars). 2 submissions from 2 submitters: Uncertain significance (1). 1 of the submissions does not count toward it. Last evaluated 2025-10-09.

Conditions:
Hereditary factor IX deficiency disease (HEMB). Also called: Christmas Disease; F9 DEFICIENCY; FACTOR IX DEFICIENCY; PLASMA THROMBOPLASTIN COMPONENT DEFICIENCY; Hemophilia B. Identifiers: Orphanet 98879, MedGen C0008533, MeSH D002836, MONDO:0010604, OMIM 306900.

Allele frequency attached by ClinVar (database versions not stated): TOPMed 0.00002.

Submissions (2):

Women's Health and Genetics/Laboratory Corporation of America, LabCorp
Classification: Uncertain significance. Last evaluated: 2025-10-09. Review status: criteria provided, single submitter. Criteria: LabCorp Variant Classification Summary - May 2015. Collection method: clinical testing. Allele origin: germline.
Comment: Variant summary: F9 c.887T>A (p.Val296Glu) results in a non-conservative amino acid change in the encoded protein sequence. Algorithms developed to predict the effect of missense changes on protein structure and function all suggest that this variant is likely to be disruptive. The variant was absent in 179145 control chromosomes. The available data on variant occurrences in the general population are insufficient to allow any conclusion about variant significance. c.887T>A has been observed in an individual affected with Factor IX Deficiency (Hemophilia B) (Belvini_2005). These data do not allow any conclusion about variant significance. To our knowledge, no experimental evidence demonstrating an impact on protein function has been reported. The following publication have been ascertained in the context of this evaluation (PMID: 15921378). ClinVar contains an entry for this variant (Variation ID: 973817). Based on the evidence outlined above, the variant was classified as uncertain significance.

Angelo Bianchi Bonomi Hemophilia and Thrombosis Center, Fondazione IRCCS Ca Granda Ospedale Maggiore Policlinico
Classification: Pathogenic for Hereditary factor IX deficiency disease. Last evaluated: 2019-06-01. Review status: no assertion criteria provided. Collection method: clinical testing. Allele origin: germline. Affected: yes. Observed: 1 variant allele. Not counted in ClinVar's aggregate classification.

Literature cited by the submitters: PubMed 15921378 (cited by Women's Health and Genetics/Laboratory Corporation of America, LabCorp and Angelo Bianchi Bonomi Hemophilia and Thrombosis Center, Fondazione IRCCS Ca Granda Ospedale Maggiore Policlinico); PubMed 8091381 (cited by Angelo Bianchi Bonomi Hemophilia and Thrombosis Center, Fondazione IRCCS Ca Granda Ospedale Maggiore Policlinico).

NM_000133.4(F9):c.887T>A (p.Val296Glu)

Gene: F9 (coagulation factor IX; plus strand). Cytogenetic location: Xq27.1.
Variant type: single nucleotide variant.
Coding change: c.887T>A on transcript NM_000133.4 (MANE Select); coding-DNA position 887, T replaced by A.
Protein change: p.Val296Glu; replaces valine 296 with glutamic acid.
Molecular consequence: missense variant.
Genome position (GRCh38, 1-based): chrX:139,561,572, T>A. VCF-style: chrX-139561572-T-A. GRCh37 (hg19) VCF-style: chrX-138643731-T-A.
Other names: c.773T>A, p.Val258Glu (NM_001313913.2); short protein forms V258E, V296E.
Identifiers: ClinVar variation 973817 (VCV000973817.3), dbSNP rs1371397743, ClinGen allele CA414444668.